The following is an entry in ClinVar:

ClinVar aggregate classification (germline): Uncertain significance. Review status: criteria provided, multiple submitters, no conflicts (2 of 4 stars). 2 submissions from 2 submitters: Uncertain significance (2). Last evaluated 2025-12-15.

Conditions:
Inborn genetic diseases. Identifiers: MedGen C0950123, MeSH D030342.
Brachyolmia-amelogenesis imperfecta syndrome. Also called: PLATYSPONDYLY WITH AMELOGENESIS IMPERFECTA; Tooth agenesis, selective, 6; Dental anomalies and short stature. Identifiers: Orphanet 2899, MedGen C1832594, MONDO:0011018, OMIM 601216. Disease mechanism: loss of function.

Allele frequency attached by ClinVar (database versions not stated): ExAC 0.00001; gnomAD 0.00001; gnomAD exomes 0.00001; TOPMed 0.00001.
gnomAD v4.1: 13 of 1,613,986 alleles (0.00081%); highest among the groups gnomAD compares: Middle Eastern, 0.016%; no homozygotes.

Submissions (2):

Labcorp Genetics (formerly Invitae), Labcorp
Classification: Uncertain significance for Brachyolmia-amelogenesis imperfecta syndrome. Last evaluated: 2025-12-15. Review status: criteria provided, single submitter. Criteria: Invitae Variant Classification Sherloc (09022015). Collection method: clinical testing. Allele origin: germline.
Comment: This sequence change replaces threonine, which is neutral and polar, with methionine, which is neutral and non-polar, at codon 803 of the LTBP3 protein (p.Thr803Met). This variant is present in population databases (rs767314508, gnomAD 0.0009%). This variant has not been reported in the literature in individuals affected with LTBP3-related conditions. ClinVar contains an entry for this variant (Variation ID: 1790827). An algorithm developed to predict the effect of missense changes on protein structure and function (PolyPhen-2) suggests that this variant is likely to be disruptive. In summary, the available evidence is currently insufficient to determine the role of this variant in disease. Therefore, it has been classified as a Variant of Uncertain Significance.

Ambry Genetics
Classification: Uncertain significance for Inborn genetic diseases. Last evaluated: 2025-11-26. Review status: criteria provided, single submitter. Criteria: Ambry Variant Classification Scheme 2023. Collection method: clinical testing. Allele origin: germline.

NM_001130144.3(LTBP3):c.2408C>T (p.Thr803Met)

Gene: LTBP3 (latent transforming growth factor beta binding protein 3; minus strand). Cytogenetic location: 11q13.1.
Variant type: single nucleotide variant.
Coding change: c.2408C>T on transcript NM_001130144.3 (MANE Select); coding-DNA position 2408, C replaced by T.
Protein change: p.Thr803Met; replaces threonine 803 with methionine.
Molecular consequence: missense variant.
Genome position (GRCh38, 1-based): chr11:65,543,495, G>A on the plus strand (C>T on the coding strand, the complement: LTBP3 is on the minus strand). VCF-style: chr11-65543495-G-A. GRCh37 (hg19) VCF-style: chr11-65310966-G-A.
Other names: c.2057C>T, p.Thr686Met (NM_001164266.1); c.2408C>T, p.Thr803Met (NM_021070.4); short protein forms T803M, T686M.
Identifiers: ClinVar variation 1790827 (VCV001790827.8), dbSNP rs767314508, ClinGen allele CA6100620.